The following is an entry in ClinVar:

ClinVar aggregate classification (germline): Uncertain significance. Review status: criteria provided, multiple submitters, no conflicts (2 of 4 stars). 3 submissions from 3 submitters: Uncertain significance (3). Last evaluated 2026-01-19.

Conditions:
Hereditary cancer-predisposing syndrome. Also called: Neoplastic Syndromes, Hereditary; Hereditary Cancer Syndrome; Hereditary neoplastic syndrome; Tumor predisposition. Identifiers: Orphanet 140162, MedGen C0027672, MeSH D009386, MONDO:0015356.
Oligodontia-cancer predisposition syndrome. Also called: TOOTH AGENESIS-COLORECTAL CANCER SYNDROME. Identifiers: Orphanet 300576, MedGen C1837750, MONDO:0012075, OMIM 608615. Disease mechanism: loss of function.

Allele frequency attached by ClinVar (database versions not stated): gnomAD 0.00001; TOPMed 0.00001; ExAC 0.00002; 1000 Genomes Project 30x 0.00016; 1000 Genomes Project 0.00020.
gnomAD v4.1: 3 of 1,614,120 alleles (0.00019%); highest among the groups gnomAD compares: African/African-American, 0.0027%; no homozygotes.

Submissions (3):

Labcorp Genetics (formerly Invitae), Labcorp
Classification: Uncertain significance for Oligodontia-cancer predisposition syndrome. Last evaluated: 2026-01-19. Review status: criteria provided, single submitter. Criteria: Invitae Variant Classification Sherloc (09022015). Collection method: clinical testing. Allele origin: germline.
Comment: This sequence change replaces methionine, which is neutral and non-polar, with threonine, which is neutral and polar, at codon 565 of the AXIN2 protein (p.Met565Thr). This variant is present in population databases (rs534983760, gnomAD 0.007%). This variant has not been reported in the literature in individuals affected with AXIN2-related conditions. ClinVar contains an entry for this variant (Variation ID: 1060701). Invitae Evidence Modeling of protein sequence and biophysical properties (such as structural, functional, and spatial information, amino acid conservation, physicochemical variation, residue mobility, and thermodynamic stability) indicates that this missense variant is not expected to disrupt AXIN2 protein function with a negative predictive value of 80%. In summary, the available evidence is currently insufficient to determine the role of this variant in disease. Therefore, it has been classified as a Variant of Uncertain Significance.

GeneDx
Classification: Uncertain significance. Last evaluated: 2025-02-11. Review status: criteria provided, single submitter. Criteria: GeneDx Variant Classification Process June 2021. Collection method: clinical testing. Allele origin: germline. Affected: yes.
Comment: Not observed at significant frequency in large population cohorts (gnomAD); In silico analysis indicates that this missense variant does not alter protein structure/function; Has not been previously published as pathogenic or benign to our knowledge

Ambry Genetics
Classification: Uncertain significance for Hereditary cancer-predisposing syndrome. Last evaluated: 2024-05-03. Review status: criteria provided, single submitter. Criteria: Ambry Variant Classification Scheme 2023. Collection method: clinical testing. Allele origin: germline.
Comment: The p.M565T variant (also known as c.1694T>C), located in coding exon 5 of the AXIN2 gene, results from a T to C substitution at nucleotide position 1694. The methionine at codon 565 is replaced by threonine, an amino acid with similar properties. This amino acid position is conserved. In addition, this alteration is predicted to be tolerated by in silico analysis. Since supporting evidence is limited at this time, the clinical significance of this alteration remains unclear.

NM_004655.4(AXIN2):c.1694T>C (p.Met565Thr)

Gene: AXIN2 (axin 2; minus strand). Cytogenetic location: 17q24.1.
Variant type: single nucleotide variant.
Coding change: c.1694T>C on transcript NM_004655.4 (MANE Select); coding-DNA position 1694, T replaced by C.
Protein change: p.Met565Thr; replaces methionine 565 with threonine.
Molecular consequence: missense variant.
Genome position (GRCh38, 1-based): chr17:65,537,342, A>G on the plus strand (T>C on the coding strand, the complement: AXIN2 is on the minus strand). VCF-style: chr17-65537342-A-G. GRCh37 (hg19) VCF-style: chr17-63533460-A-G.
Other names: c.1694T>C, p.Met565Thr (NM_001363813.1); short protein forms M565T.
Identifiers: ClinVar variation 1060701 (VCV001060701.11), dbSNP rs534983760, ClinGen allele CA8718575.